The following is an entry in ClinVar:

ClinVar aggregate classification (germline): Uncertain significance (1 of 4 stars; one submission).

Allele frequency attached by ClinVar (database versions not stated): gnomAD 0.00001.
gnomAD v4.1: 1 of 1,613,694 alleles (0.000062%); highest among the groups gnomAD compares: Non-Finnish European, 0.000085%; no homozygotes.

Submission:

GeneDx
Classification: Uncertain significance. Last evaluated: 2023-01-17. Review status: criteria provided, single submitter. Criteria: GeneDx Variant Classification Process June 2021. Collection method: clinical testing. Allele origin: germline. Affected: yes.
Comment: Not observed at significant frequency in large population cohorts (gnomAD); In silico analysis supports that this missense variant has a deleterious effect on protein structure/function; Has not been previously published as pathogenic or benign to our knowledge

NM_001378120.1(MBD5):c.1558G>T (p.Asp520Tyr)

Gene: MBD5 (methyl-CpG binding domain protein 5; plus strand). Cytogenetic location: 2q23.1.
Variant type: single nucleotide variant.
Coding change: c.1558G>T on transcript NM_001378120.1 (MANE Select); coding-DNA position 1558, G replaced by T.
Protein change: p.Asp520Tyr; replaces aspartic acid 520 with tyrosine.
Molecular consequence: missense variant.
Genome position (GRCh38, 1-based): chr2:148,469,501, G>T. VCF-style: chr2-148469501-G-T. GRCh37 (hg19) VCF-style: chr2-149227070-G-T.
Other names: c.1558G>T, p.Asp520Tyr (NM_018328.5); short protein forms D520Y.
Identifiers: ClinVar variation 2572937 (VCV002572937.1), dbSNP rs1680717669, ClinGen allele CA348719945.